The following is an entry in ClinVar:

NM_152305.3(POGLUT1):c.1150A>T (p.Ile384Phe)

Gene: POGLUT1 (protein O-glucosyltransferase 1; plus strand). Cytogenetic location: 3q13.33.
Variant type: single nucleotide variant.
Coding change: c.1150A>T on transcript NM_152305.3 (MANE Select); coding-DNA position 1150, A replaced by T.
Protein change: p.Ile384Phe; replaces isoleucine 384 with phenylalanine.
Molecular consequence: missense variant. On other transcripts: non-coding transcript variant (1).
Genome position (GRCh38, 1-based): chr3:119,492,409, A>T. VCF-style: chr3-119492409-A-T. GRCh37 (hg19) VCF-style: chr3-119211256-A-T.
Other names: c.1150A>T, p.Ile384Phe (NM_020231.3); short protein forms I384F.
Identifiers: ClinVar variation 2283109 (VCV002283109.5), dbSNP rs921108483, ClinGen allele CA81704452.

ClinVar aggregate classification (germline): Uncertain significance. Review status: criteria provided, multiple submitters, no conflicts (2 of 4 stars). 2 submissions from 2 submitters: Uncertain significance (2). Last evaluated 2023-11-12.

Conditions:
Inborn genetic diseases. Identifiers: MedGen C0950123, MeSH D030342.

Allele frequency attached by ClinVar (database versions not stated): gnomAD exomes below 0.00001; gnomAD 0.00001; TOPMed 0.00001.
gnomAD v4.1: 4 of 1,604,712 alleles (0.00025%); highest among the groups gnomAD compares: Admixed American, 0.0034%; no homozygotes.

Submissions (2):

Labcorp Genetics (formerly Invitae), Labcorp
Classification: Uncertain significance. Last evaluated: 2023-11-12. Review status: criteria provided, single submitter. Criteria: Invitae Variant Classification Sherloc (09022015). Collection method: clinical testing. Allele origin: germline.
Comment: This sequence change replaces isoleucine, which is neutral and non-polar, with phenylalanine, which is neutral and non-polar, at codon 384 of the POGLUT1 protein (p.Ile384Phe). This variant is present in population databases (no rsID available, gnomAD 0.003%). This variant has not been reported in the literature in individuals affected with POGLUT1-related conditions. ClinVar contains an entry for this variant (Variation ID: 2283109). An algorithm developed to predict the effect of missense changes on protein structure and function (PolyPhen-2) suggests that this variant is likely to be tolerated. In summary, the available evidence is currently insufficient to determine the role of this variant in disease. Therefore, it has been classified as a Variant of Uncertain Significance.

Ambry Genetics
Classification: Uncertain significance for Inborn genetic diseases. Last evaluated: 2022-04-12. Review status: criteria provided, single submitter. Criteria: Ambry Variant Classification Scheme 2023. Collection method: clinical testing. Allele origin: germline.